The following is an entry in ClinVar:

ClinVar aggregate classification (germline): Uncertain significance (1 of 4 stars; one submission).

Conditions:
Inborn genetic diseases. Identifiers: MedGen C0950123, MeSH D030342.

Allele frequency attached by ClinVar (database versions not stated): gnomAD exomes 0.00001.
gnomAD v4.1: 14 of 1,614,050 alleles (0.00087%); highest among the groups gnomAD compares: Non-Finnish European, 0.0012%; no homozygotes.

Submission:

Ambry Genetics
Classification: Uncertain significance for Inborn genetic diseases. Last evaluated: 2019-03-08. Review status: criteria provided, single submitter. Criteria: Ambry Variant Classification Scheme 2023. Collection method: clinical testing. Allele origin: germline.
Comment: The p.V128F variant (also known as c.382G>T), located in coding exon 3 of the FOXP2 gene, results from a G to T substitution at nucleotide position 382. The valine at codon 128 is replaced by phenylalanine, an amino acid with highly similar properties. This amino acid position is highly conserved in available vertebrate species. In addition, the in silico prediction for this alteration is inconclusive. Since supporting evidence is limited at this time, the clinical significance of this alteration remains unclear.

NM_014491.4(FOXP2):c.382G>T (p.Val128Phe)

Gene: FOXP2 (forkhead box P2; plus strand). Cytogenetic location: 7q31.1.
Variant type: single nucleotide variant.
Coding change: c.382G>T on transcript NM_014491.4 (MANE Select); coding-DNA position 382, G replaced by T.
Protein change: p.Val128Phe; replaces valine 128 with phenylalanine.
Molecular consequence: missense variant. On other transcripts: non-coding transcript variant (2).
Genome position (GRCh38, 1-based): chr7:114,628,663, G>T. VCF-style: chr7-114628663-G-T. GRCh37 (hg19) VCF-style: chr7-114268718-G-T.
Other names: c.382G>T, p.Val128Phe (NM_001172766.3, NM_148899.3, NM_148900.4); c.457G>T, p.Val153Phe (NM_001172767.2, NM_148898.4); c.-1019G>T (NM_001172777.1); short protein forms V153F, V128F.
Identifiers: ClinVar variation 1735345 (VCV001735345.2), dbSNP rs1804725523, ClinGen allele CA368961291.